The following is an entry in ClinVar:

NM_016180.5(SLC45A2):c.562+2T>C

Gene: SLC45A2 (solute carrier family 45 member 2; minus strand). Cytogenetic location: 5p13.2.
Variant type: single nucleotide variant.
Coding change: c.562+2T>C on transcript NM_016180.5 (MANE Select); the canonical splice donor site of the intron after coding-DNA position 562, T replaced by C.
Molecular consequence: splice donor variant.
Genome position (GRCh38, 1-based): chr5:33,982,234, A>G on the plus strand (T>C on the coding strand, the complement: SLC45A2 is on the minus strand). VCF-style: chr5-33982234-A-G. GRCh37 (hg19) VCF-style: chr5-33982339-A-G.
Other names: c.562+2T>C (NM_001012509.4, NM_001297417.4).
Identifiers: ClinVar variation 1996488 (VCV001996488.4), dbSNP rs2478911585, ClinGen allele CA359396244.

ClinVar aggregate classification (germline): Likely pathogenic (1 of 4 stars; one submission).

Submission:

Labcorp Genetics (formerly Invitae), Labcorp
Classification: Likely pathogenic. Last evaluated: 2022-06-26. Review status: criteria provided, single submitter. Criteria: Invitae Variant Classification Sherloc (09022015). Collection method: clinical testing. Allele origin: germline.
Comment: This variant has not been reported in the literature in individuals affected with SLC45A2-related conditions. Algorithms developed to predict the effect of sequence changes on RNA splicing suggest that this variant may disrupt the consensus splice site. This variant is not present in population databases (gnomAD no frequency). This sequence change affects a donor splice site in intron 2 of the SLC45A2 gene. It is expected to disrupt RNA splicing. Variants that disrupt the donor or acceptor splice site typically lead to a loss of protein function (PMID: 16199547), and loss-of-function variants in SLC45A2 are known to be pathogenic (PMID: 21458243, 26573111). In summary, the currently available evidence indicates that the variant is pathogenic, but additional data are needed to prove that conclusively. Therefore, this variant has been classified as Likely Pathogenic.

Literature cited by the submitters: PubMed 16199547; PubMed 21458243; PubMed 26573111.